The following is an entry in ClinVar:

NM_001070.5(TUBG1):c.900C>A (p.Pro300=)

Gene: TUBG1 (tubulin gamma 1; plus strand). Cytogenetic location: 17q21.2.
Variant type: single nucleotide variant.
Coding change: c.900C>A on transcript NM_001070.5 (MANE Select); coding-DNA position 900, C replaced by A.
Protein change: p.Pro300=; no amino-acid change (proline 300 retained).
Molecular consequence: synonymous variant.
Genome position (GRCh38, 1-based): chr17:42,614,316, C>A. VCF-style: chr17-42614316-C-A. GRCh37 (hg19) VCF-style: chr17-40766334-C-A.
Identifiers: ClinVar variation 2647794 (VCV002647794.25), dbSNP rs763832291, ClinGen allele CA8580015.

ClinVar aggregate classification (germline): Likely benign. Review status: criteria provided, multiple submitters, no conflicts (2 of 4 stars). 2 submissions from 2 submitters: Likely benign (2). Last evaluated 2023-01-01.

Allele frequency attached by ClinVar (database versions not stated): gnomAD exomes below 0.00001; ExAC 0.00001; gnomAD 0.00001.
gnomAD v4.1: 5 of 1,613,822 alleles (0.00031%); highest among the groups gnomAD compares: Middle Eastern, 0.033%; no homozygotes.

Submissions (2):

CeGaT Center for Human Genetics Tuebingen
Classification: Likely benign. Last evaluated: 2023-01-01. Review status: criteria provided, single submitter. Criteria: CeGaT Center For Human Genetics Tuebingen Variant Classification Criteria Version 2. Collection method: clinical testing. Allele origin: germline. Affected: yes. Observed: 1 variant allele.
Comment: TUBG1: BP4, BP7

Blueprint Genetics
Classification: Likely benign. Last evaluated: 2022-04-27. Review status: criteria provided, single submitter. Criteria: ACMG Guidelines, 2015. Collection method: clinical testing. Allele origin: germline.